The following is an entry in ClinVar:

NM_001042492.3(NF1):c.8481T>C (p.Ala2827=)

Gene: NF1 (neurofibromin 1; plus strand). Cytogenetic location: 17q11.2.
Variant type: single nucleotide variant.
Coding change: c.8481T>C on transcript NM_001042492.3 (MANE Select); coding-DNA position 8481, T replaced by C.
Protein change: p.Ala2827=; no amino-acid change (alanine 2827 retained).
Molecular consequence: synonymous variant.
Genome position (GRCh38, 1-based): chr17:31,374,116, T>C. VCF-style: chr17-31374116-T-C. GRCh37 (hg19) VCF-style: chr17-29701134-T-C.
Other names: c.8418T>C, p.Ala2806= (NM_000267.4).
Identifiers: ClinVar variation 480175 (VCV000480175.14), dbSNP rs1555538546, ClinGen allele CA499354237.

ClinVar aggregate classification (germline): Benign/Likely benign. Review status: criteria provided, multiple submitters, no conflicts (2 of 4 stars). 4 submissions from 4 submitters: Benign (1); Likely benign (3). Last evaluated 2026-09-24.

Conditions:
Neurofibromatosis, type 1 (NF1). Also called: NEUROFIBROMATOSIS, TYPE I, SOMATIC; Peripheral type neurofibromatosis; VON RECKLINGHAUSEN DISEASE; Neurofibromatosis, type I. Identifiers: Orphanet 636, MedGen C0027831, MONDO:0018975, OMIM 162200. Disease mechanism: loss of function.
Cardiovascular phenotype. Identifiers: MedGen CN230736.
Hereditary cancer-predisposing syndrome. Also called: Tumor predisposition; Neoplastic Syndromes, Hereditary; Hereditary Cancer Syndrome; Hereditary neoplastic syndrome. Identifiers: Orphanet 140162, MedGen C0027672, MeSH D009386, MONDO:0015356.

Allele frequency attached by ClinVar (database versions not stated): gnomAD exomes below 0.00001.
gnomAD v4.1: 2 of 1,614,120 alleles (0.00012%); highest among the groups gnomAD compares: African/African-American, 0.0013%; no homozygotes.

Submissions (4):

Myriad Genetics, Inc.
Classification: Benign for Neurofibromatosis, type 1. Last evaluated: 2026-09-24. Review status: criteria provided, single submitter. Criteria: Myriad Autosomal Dominant, Autosomal Recessive and X-Linked Classification Criteria (2023). Collection method: clinical testing. Allele origin: unknown.
Comment: This variant is considered benign. This variant is a silent/synonymous amino acid change and it is not expected to impact splicing.

Labcorp Genetics (formerly Invitae), Labcorp
Classification: Likely benign for Neurofibromatosis, type 1. Last evaluated: 2024-04-17. Review status: criteria provided, single submitter. Criteria: Invitae Variant Classification Sherloc (09022015). Collection method: clinical testing. Allele origin: germline.

Genome-Nilou Lab
Classification: Likely benign for Neurofibromatosis, type 1. Last evaluated: 2022-03-15. Review status: criteria provided, single submitter. Criteria: ACMG Guidelines, 2015. Collection method: clinical testing. Allele origin: germline. Affected: no.

Ambry Genetics
Classification: Likely benign for Cardiovascular phenotype; Hereditary cancer-predisposing syndrome. Last evaluated: 2016-11-21. Review status: criteria provided, single submitter. Criteria: Ambry Variant Classification Scheme 2023. Collection method: clinical testing. Allele origin: germline.